The following is an entry in ClinVar:

ClinVar aggregate classification (germline): Likely pathogenic (1 of 4 stars; one submission).

Submission:

Mayo Clinic Laboratories, Mayo Clinic
Classification: Likely pathogenic. Last evaluated: 2020-10-12. Review status: criteria provided, single submitter. Criteria: ACMG Guidelines, 2015. Collection method: clinical testing. Allele origin: germline. Observed: 1 variant allele.
Comment: PVS1, PM2

NM_024577.4(SH3TC2):c.2403_2404delinsAA (p.Cys801_Leu802delinsTer)

Gene: SH3TC2 (SH3 domain and tetratricopeptide repeats 2; minus strand). Cytogenetic location: 5q32.
Variant type: Indel.
Coding change: c.2403_2404delinsAA on transcript NM_024577.4 (MANE Select); coding-DNA positions 2403 to 2404, CC replaced by AA.
Protein change: p.Cys801_Leu802delinsTer.
Molecular consequence: nonsense.
Genome position (GRCh38, 1-based): chr5:149,027,328-149,027,329, GG replaced by TT on the plus strand (CC replaced by AA on the coding strand, the reverse complement: SH3TC2 is on the minus strand). VCF-style: chr5-149027328-GG-TT. GRCh37 (hg19) VCF-style: chr5-148406891-GG-TT.
Identifiers: ClinVar variation 1162981 (VCV001162981.5), dbSNP rs2127397160, ClinGen allele CA2499217719.
Genomic context (GRCh38, chr5:149,027,328, plus strand): 5'-GTGGCTCAAGCACATCCAAAGCCTTCTTGGCCTGGCTGGCTAAGAGATAGGCCCATGCCA[GG>TT]CAGAGAGAAGACTCAAAGGATTCCTGCTCACCCAGCAGCTGCCCTAGCACCAAGGCCTGG-3'